The following is an entry in ClinVar:

Conditions:
Long QT syndrome 5 (LQT5). Identifiers: Orphanet 101016, Orphanet 768, MedGen C1867904, MONDO:0013372, OMIM 613695.

Submission:

Roden Lab, Vanderbilt University Medical Center
No classification provided (evidence only). Condition: Long QT syndrome 5. Review status: no classification provided. Collection method: in vitro. Allele origin: not applicable. Functional consequence: Effect on ion channel function.
ClinVar note: "not provided" was previously submitted as the classification for the variant. However, the classification appeared to be based only on an observation of functional data so it was converted to no classification on 2025-07-30.

NM_000219.6(KCNE1):c.363C>T (p.His121=)

Gene: KCNE1 (potassium voltage-gated channel subfamily E regulatory subunit 1; minus strand). Cytogenetic location: 21q22.12.
Variant type: single nucleotide variant.
Coding change: c.363C>T on transcript NM_000219.6 (MANE Select); coding-DNA position 363, C replaced by T.
Protein change: p.His121=; no amino-acid change (histidine 121 retained).
Molecular consequence: synonymous variant.
Genome position (GRCh38, 1-based): chr21:34,449,272, G>A on the plus strand (C>T on the coding strand, the complement: KCNE1 is on the minus strand). VCF-style: chr21-34449272-G-A. GRCh37 (hg19) VCF-style: chr21-35821570-G-A.
Other names: c.363C>T, p.His121= (NM_001127668.4, NM_001127669.4, NM_001127670.4 and 4 more transcripts).
Identifiers: ClinVar variation 3373821 (VCV003373821.2).